The following is an entry in ClinVar:

ClinVar aggregate classification (germline): Uncertain significance. Review status: criteria provided, multiple submitters, no conflicts (2 of 4 stars). 5 submissions from 5 submitters: Uncertain significance (5). Last evaluated 2026-02-03.

Conditions:
Endometrial carcinoma. Also called: Endometrial carcinoma, somatic. Identifiers: MedGen C0476089, MONDO:0002447, OMIM 608089, HP:0012114.
Lynch syndrome 5 (LYNCH5). Also called: Hereditary non-polyposis colorectal cancer, type 5; Colorectal cancer, hereditary nonpolyposis, type 5. Identifiers: Orphanet 144, MedGen C1833477, MONDO:0013710, OMIM 614350. Disease mechanism: loss of function.
Mismatch repair cancer syndrome 3. Identifiers: MedGen C5436807, MONDO:0030841, OMIM 619097.
Hereditary nonpolyposis colorectal neoplasms. Identifiers: MedGen C0009405, MeSH D003123.
Hereditary cancer-predisposing syndrome. Also called: Hereditary Cancer Syndrome; Hereditary neoplastic syndrome; Neoplastic Syndromes, Hereditary; Tumor predisposition. Identifiers: Orphanet 140162, MedGen C0027672, MeSH D009386, MONDO:0015356.
Lynch syndrome. Identifiers: Orphanet 144, MedGen C4552100, MONDO:0005835. Disease mechanism: loss of function.

gnomAD v4.1: 4 of 1,614,178 alleles (0.00025%); highest among the groups gnomAD compares: East Asian, 0.0067%; no homozygotes.

Submissions (5):

Labcorp Genetics (formerly Invitae), Labcorp
Classification: Uncertain significance for Hereditary nonpolyposis colorectal neoplasms. Last evaluated: 2026-02-03. Review status: criteria provided, single submitter. Criteria: Invitae Variant Classification Sherloc (09022015). Collection method: clinical testing. Allele origin: germline.
Comment: This sequence change replaces lysine, which is basic and polar, with glutamine, which is neutral and polar, at codon 930 of the MSH6 protein (p.Lys930Gln). This variant is not present in population databases (gnomAD no frequency). This variant has not been reported in the literature in individuals affected with MSH6-related conditions. ClinVar contains an entry for this variant (Variation ID: 455222). Invitae Evidence Modeling of protein sequence and biophysical properties (such as structural, functional, and spatial information, amino acid conservation, physicochemical variation, residue mobility, and thermodynamic stability) indicates that this missense variant is not expected to disrupt MSH6 protein function with a negative predictive value of 95%. In summary, the available evidence is currently insufficient to determine the role of this variant in disease. Therefore, it has been classified as a Variant of Uncertain Significance.

Ambry Genetics
Classification: Uncertain significance for Hereditary cancer-predisposing syndrome. Last evaluated: 2024-11-06. Review status: criteria provided, single submitter. Criteria: Ambry Variant Classification Scheme 2023. Collection method: clinical testing. Allele origin: germline.
Comment: The p.K930Q variant (also known as c.2788A>C), located in coding exon 4 of the MSH6 gene, results from an A to C substitution at nucleotide position 2788. The lysine at codon 930 is replaced by glutamine, an amino acid with similar properties. This amino acid position is highly conserved in available vertebrate species. In addition, this alteration is predicted to be deleterious by in silico analysis. Since supporting evidence is limited at this time, the clinical significance of this alteration remains unclear.

All of Us Research Program, National Institutes of Health
Classification: Uncertain significance for Lynch syndrome. Last evaluated: 2024-06-09. Review status: criteria provided, single submitter. Criteria: ACMG Guidelines, 2015. Collection method: clinical testing. Allele origin: germline. Inheritance: Autosomal dominant inheritance. Observed: 1 variant allele, 1 heterozygote.
Comment: This missense variant replaces lysine with glutamine at codon 930 of the MSH6 protein. Computational prediction is inconclusive regarding the impact of this variant on protein structure and function (internally defined REVEL score threshold 0.5 < inconclusive < 0.7, PMID: 27666373). Splice site prediction tools suggest that this variant may not impact RNA splicing. To our knowledge, functional studies have not been performed for this variant. This variant has not been reported in individuals affected with hereditary cancer in the literature. This variant has not been identified in the general population by the Genome Aggregation Database (gnomAD). The available evidence is insufficient to determine the role of this variant in disease conclusively. Therefore, this variant is classified as a Variant of Uncertain Significance.

This study involves interpretation of variants in research participants for the purpose of population health screening. Participant phenotype was not available at the time of variant classification. Additional details can be found in publication PMID: 35346344, PMCID: PMC8962531

Color Diagnostics, LLC DBA Color Health
Classification: Uncertain significance for Hereditary cancer-predisposing syndrome. Last evaluated: 2024-05-29. Review status: criteria provided, single submitter. Criteria: ACMG Guidelines, 2015. Collection method: clinical testing. Allele origin: germline.
Comment: This missense variant replaces lysine with glutamine at codon 930 of the MSH6 protein. Computational prediction is inconclusive regarding the impact of this variant on protein structure and function (internally defined REVEL score threshold 0.5 < inconclusive < 0.7, PMID: 27666373). To our knowledge, functional studies have not been reported for this variant. This variant has not been reported in individuals affected with MSH6-related disorders in the literature. This variant has not been identified in the general population by the Genome Aggregation Database (gnomAD). The available evidence is insufficient to determine the role of this variant in disease conclusively. Therefore, this variant is classified as a Variant of Uncertain Significance.

Fulgent Genetics
Classification: Uncertain significance for Endometrial carcinoma; Lynch syndrome 5; Mismatch repair cancer syndrome 3. Last evaluated: 2024-04-25. Review status: criteria provided, single submitter. Criteria: ACMG Guidelines, 2015. Collection method: clinical testing. Allele origin: germline.

NM_000179.3(MSH6):c.2788A>C (p.Lys930Gln)

Gene: MSH6 (mutS homolog 6; plus strand). Cytogenetic location: 2p16.3.
Variant type: single nucleotide variant.
Coding change: c.2788A>C on transcript NM_000179.3 (MANE Select); coding-DNA position 2788, A replaced by C.
Protein change: p.Lys930Gln; replaces lysine 930 with glutamine.
Molecular consequence: missense variant.
Genome position (GRCh38, 1-based): chr2:47,800,771, A>C. VCF-style: chr2-47800771-A-C. GRCh37 (hg19) VCF-style: chr2-48027910-A-C.
Other names: c.2398A>C, p.Lys800Gln (NM_001281492.2); c.1882A>C, p.Lys628Gln (NM_001281493.2, NM_001281494.2); short protein forms K930Q, K800Q, K628Q.
Identifiers: ClinVar variation 455222 (VCV000455222.20), dbSNP rs878853719, ClinGen allele CA346755518.